The following is an entry in ClinVar:

ClinVar aggregate classification (germline): Conflicting classifications of pathogenicity. Review status: criteria provided, conflicting classifications (1 of 4 stars). 8 submissions from 8 submitters: Uncertain significance (7); Likely benign (1). Last evaluated 2024-06-07.

Conditions:
Hereditary breast ovarian cancer syndrome. Also called: Hereditary breast and ovarian cancer; Hereditary breast and ovarian cancer syndrome (HBOC); BRCA1- and BRCA2-Associated Hereditary Breast and Ovarian Cancer; Breast and ovarian cancer; Hereditary breast and ovarian cancer syndrome; Hereditary breast and/or ovarian cancer syndrome. Identifiers: Orphanet 145, MedGen C0677776, MeSH D061325, MONDO:0003582. Disease mechanism: loss of function.
Hereditary cancer-predisposing syndrome. Also called: Tumor predisposition; Neoplastic Syndromes, Hereditary; Hereditary Cancer Syndrome; Hereditary neoplastic syndrome. Identifiers: Orphanet 140162, MedGen C0027672, MeSH D009386, MONDO:0015356.
Breast-ovarian cancer, familial, susceptibility to, 2 (BROVCA2). Also called: BRCA2 Hereditary Breast and Ovarian Cancer. Identifiers: Orphanet 145, MedGen C2675520, MONDO:0012933, OMIM 612555. Disease mechanism: loss of function.

Submissions (8):

Women's Health and Genetics/Laboratory Corporation of America, LabCorp
Classification: Uncertain significance. Last evaluated: 2024-06-07. Review status: criteria provided, single submitter. Criteria: LabCorp Variant Classification Summary - May 2015. Collection method: clinical testing. Allele origin: germline.
Comment: Variant summary: BRCA2 c.1799A>T (p.Tyr600Phe) results in a conservative amino acid change in the encoded protein sequence. Five of five in-silico tools predict a benign effect of the variant on protein function. The variant was absent in 241802 control chromosomes. The available data on variant occurrences in the general population are insufficient to allow any conclusion about variant significance. To our knowledge, no occurrence of c.1799A>T in individuals affected with Hereditary Breast And Ovarian Cancer Syndrome and no experimental evidence demonstrating its impact on protein function have been reported. ClinVar contains an entry for this variant (Variation ID: 489746). Based on the evidence outlined above, the variant was classified as uncertain significance.

Color Diagnostics, LLC DBA Color Health
Classification: Uncertain significance for Hereditary cancer-predisposing syndrome. Last evaluated: 2024-03-06. Review status: criteria provided, single submitter. Criteria: ACMG Guidelines, 2015. Collection method: clinical testing. Allele origin: germline.
Comment: This missense variant replaces tyrosine with phenylalanine at codon 600 of the BRCA2 protein. Computational prediction suggests that this variant may not impact protein structure and function (internally defined REVEL score threshold <= 0.5, PMID: 27666373). To our knowledge, functional studies have not been reported for this variant. This variant has not been reported in individuals affected with BRCA2-related disorders in the literature. This variant has not been identified in the general population by the Genome Aggregation Database (gnomAD). The available evidence is insufficient to determine the role of this variant in disease conclusively. Therefore, this variant is classified as a Variant of Uncertain Significance.

Quest Diagnostics Nichols Institute San Juan Capistrano
Classification: Uncertain significance. Last evaluated: 2023-09-15. Review status: criteria provided, single submitter. Criteria: Quest Diagnostics criteria. Collection method: clinical testing. Allele origin: unknown.
Comment: In the published literature, this variant has been reported to be located in a region of the BRCA2 gene that is tolerant to missense sequence changes (PMID: 31911673 (2020)). This variant has not been reported in large, multi-ethnic general populations (Genome Aggregation Database). Analysis of this variant using bioinformatics tools for the prediction of the effect of amino acid changes on protein structure and function yielded predictions that this variant is benign. Based on the available information, we are unable to determine the clinical significance of this variant.

Labcorp Genetics (formerly Invitae), Labcorp
Classification: Uncertain significance for Hereditary breast ovarian cancer syndrome. Last evaluated: 2023-06-23. Review status: criteria provided, single submitter. Criteria: Invitae Variant Classification Sherloc (09022015). Collection method: clinical testing. Allele origin: germline.
Comment: This sequence change replaces tyrosine, which is neutral and polar, with phenylalanine, which is neutral and non-polar, at codon 600 of the BRCA2 protein (p.Tyr600Phe). In summary, the available evidence is currently insufficient to determine the role of this variant in disease. Therefore, it has been classified as a Variant of Uncertain Significance. Advanced modeling of protein sequence and biophysical properties (such as structural, functional, and spatial information, amino acid conservation, physicochemical variation, residue mobility, and thermodynamic stability) performed at Invitae indicates that this missense variant is not expected to disrupt BRCA2 protein function. ClinVar contains an entry for this variant (Variation ID: 489746). This variant has not been reported in the literature in individuals affected with BRCA2-related conditions. This variant is not present in population databases (gnomAD no frequency).

All of Us Research Program, National Institutes of Health
Classification: Uncertain significance for Breast-ovarian cancer, familial, susceptibility to, 2. Last evaluated: 2023-03-23. Review status: criteria provided, single submitter. Criteria: ACMG Guidelines, 2015. Collection method: clinical testing. Allele origin: germline. Inheritance: Autosomal dominant inheritance. Observed: 1 variant allele, 1 heterozygote.
Comment: This missense variant replaces tyrosine with phenylalanine at codon 600 of the BRCA2 protein. Computational prediction suggests that this variant may not impact protein structure and function (internally defined REVEL score threshold <= 0.5, PMID: 27666373). To our knowledge, functional studies have not been reported for this variant. This variant has not been reported in individuals affected with BRCA2-related disorders in the literature. This variant has not been identified in the general population by the Genome Aggregation Database (gnomAD). The available evidence is insufficient to determine the role of this variant in disease conclusively. Therefore, this variant is classified as a Variant of Uncertain Significance.

This study involves interpretation of variants in research participants for the purpose of population health screening. Participant phenotype was not available at the time of variant classification. Additional details can be found in publication PMID: 35346344, PMCID: PMC8962531

University of Washington Department of Laboratory Medicine, University of Washington
Classification: Likely benign for Hereditary cancer-predisposing syndrome. Last evaluated: 2023-03-23. Review status: criteria provided, single submitter. Criteria: Dines et al. (Genet Med. 2020). Collection method: curation. Allele origin: germline.
Comment: Missense variant in a coldspot region where missense variants are very unlikely to be pathogenic (PMID:31911673).

BRCA2 exon 10 coldspot. Reclassification based on statistical prior probability.

GeneDx
Classification: Uncertain significance. Last evaluated: 2022-08-05. Review status: criteria provided, single submitter. Criteria: GeneDx Variant Classification Process June 2021. Collection method: clinical testing. Allele origin: germline. Affected: yes.
Comment: Observed in individuals with breast cancer (deFatima Martinez Gonalez et al., 2022); Not observed at significant frequency in large population cohorts (gnomAD); In silico analysis supports that this missense variant does not alter protein structure/function; Also known as 2027A>T; This variant is associated with the following publications: (PMID: 31911673, 31853058, deFatimaMartinezGonzalez[article]2022)

Ambry Genetics
Classification: Uncertain significance for Hereditary cancer-predisposing syndrome. Last evaluated: 2022-06-21. Review status: criteria provided, single submitter. Criteria: Ambry Variant Classification Scheme 2023. Collection method: clinical testing. Allele origin: germline.
Comment: The p.Y600F variant (also known as c.1799A>T), located in coding exon 9 of the BRCA2 gene, results from an A to T substitution at nucleotide position 1799. The tyrosine at codon 600 is replaced by phenylalanine, an amino acid with highly similar properties. This amino acid position is not well conserved in available vertebrate species. In addition, this alteration is predicted to be tolerated by in silico analysis. Since supporting evidence is limited at this time, the clinical significance of this alteration remains unclear.

Literature cited by the submitters: PubMed 31911673 (cited by Quest Diagnostics Nichols Institute San Juan Capistrano).

NM_000059.4(BRCA2):c.1799A>T (p.Tyr600Phe)

Gene: BRCA2 (BRCA2 DNA repair associated; plus strand). Cytogenetic location: 13q13.1.
Variant type: single nucleotide variant.
Coding change: c.1799A>T on transcript NM_000059.4 (MANE Select); coding-DNA position 1799, A replaced by T.
Protein change: p.Tyr600Phe; replaces tyrosine 600 with phenylalanine.
Molecular consequence: missense variant.
Genome position (GRCh38, 1-based): chr13:32,333,277, A>T. VCF-style: chr13-32333277-A-T. GRCh37 (hg19) VCF-style: chr13-32907414-A-T.
Other names: short protein forms Y600F.
Identifiers: ClinVar variation 489746 (VCV000489746.25), dbSNP rs397507276, ClinGen allele CA387765838.